The following is an entry in ClinVar:

ClinVar aggregate classification (germline): Uncertain significance. Review status: criteria provided, multiple submitters, no conflicts (2 of 4 stars). 4 submissions from 4 submitters: Uncertain significance (4). Last evaluated 2025-12-28.

Conditions:
PCDH15-related disorder. Also called: PCDH15-related disorders; PCDH15-related condition.
Inborn genetic diseases. Identifiers: MedGen C0950123, MeSH D030342.

Allele frequency attached by ClinVar (database versions not stated): TOPMed below 0.00001.
gnomAD v4.1: 6 of 1,613,174 alleles (0.00037%); highest among the groups gnomAD compares: East Asian, 0.011%; no homozygotes.

Submissions (4):

PreventionGenetics, part of Exact Sciences
Classification: Uncertain significance for PCDH15-related condition. Last evaluated: 2025-12-28. Review status: criteria provided, single submitter. Criteria: ACMG Guidelines, 2015. Collection method: clinical testing. Allele origin: germline.
Comment: The PCDH15 c.3281C>T variant is predicted to result in the amino acid substitution p.Pro1094Leu. To our knowledge, this variant has not been reported in the literature. This variant is reported in 0.015% of alleles in individuals of East Asian descent in gnomAD. At this time, the clinical significance of this variant is uncertain due to the absence of conclusive functional and genetic evidence.

Blueprint Genetics
Classification: Uncertain significance. Last evaluated: 2022-09-30. Review status: criteria provided, single submitter. Criteria: ACMG Guidelines, 2015. Collection method: clinical testing. Allele origin: germline.

Ambry Genetics
Classification: Uncertain significance for Inborn genetic diseases. Last evaluated: 2022-07-08. Review status: criteria provided, single submitter. Criteria: Ambry Variant Classification Scheme 2023. Collection method: clinical testing. Allele origin: germline.

Labcorp Genetics (formerly Invitae), Labcorp
Classification: Uncertain significance. Last evaluated: 2022-02-06. Review status: criteria provided, single submitter. Criteria: Invitae Variant Classification Sherloc (09022015). Collection method: clinical testing. Allele origin: germline.
Comment: This sequence change replaces proline, which is neutral and non-polar, with leucine, which is neutral and non-polar, at codon 1094 of the PCDH15 protein (p.Pro1094Leu). This variant is present in population databases (rs574414006, gnomAD 0.02%). This variant has not been reported in the literature in individuals affected with PCDH15-related conditions. Algorithms developed to predict the effect of missense changes on protein structure and function output the following: SIFT: "Tolerated"; PolyPhen-2: "Benign"; Align-GVGD: "Class C0". The leucine amino acid residue is found in multiple mammalian species, which suggests that this missense change does not adversely affect protein function. In summary, the available evidence is currently insufficient to determine the role of this variant in disease. Therefore, it has been classified as a Variant of Uncertain Significance.

NM_001384140.1(PCDH15):c.3281C>T (p.Pro1094Leu)

Gene: PCDH15 (protocadherin related 15; minus strand). Cytogenetic location: 10q21.1.
Variant type: single nucleotide variant.
Coding change: c.3281C>T on transcript NM_001384140.1 (MANE Select); coding-DNA position 3281, C replaced by T.
Protein change: p.Pro1094Leu; replaces proline 1094 with leucine.
Molecular consequence: missense variant.
Genome position (GRCh38, 1-based): chr10:53,938,907, G>A on the plus strand (C>T on the coding strand, the complement: PCDH15 is on the minus strand). VCF-style: chr10-53938907-G-A. GRCh37 (hg19) VCF-style: chr10-55698667-G-A.
Other names: c.3296C>T, p.Pro1099Leu (NM_001142763.2, NM_001142771.2); c.3281C>T, p.Pro1094Leu (NM_001142764.2, NM_001142766.2, NM_001142770.3 and 4 more transcripts); c.3068C>T, p.Pro1023Leu (NM_001142765.2); c.3170C>T, p.Pro1057Leu (NM_001142767.2); c.3215C>T, p.Pro1072Leu (NM_001142768.2, NM_001142773.2, NM_001354404.2); c.3317C>T, p.Pro1106Leu (NM_001142769.4); c.3302C>T, p.Pro1101Leu (NM_001354411.2); short protein forms P1094L, P1099L, P1072L, P1057L, P1106L, P1023L, P1101L.
Identifiers: ClinVar variation 2201941 (VCV002201941.4), dbSNP rs574414006, ClinGen allele CA5505752.
Genomic context (GRCh38, chr10:53,938,907, plus strand): 5'-ACTTCCAGGGAATCAGCTTGGACTCGAAGTACATAGCTTGTCCTGGTCTCATAATCCAGA[G>A]GTCCATTCACATAGATAACACCTGTGATGTTATTAATTCCAAATGTATCTAGAAATTAAA-3'
Protein context (NP_001371069.1, residues 1084-1104): NITGVIYVNG[Pro1094Leu]LDYETRTSYV